The following is an entry in ClinVar:

ClinVar aggregate classification (germline): Likely pathogenic (1 of 4 stars; one submission).

Submission:

Labcorp Genetics (formerly Invitae), Labcorp
Classification: Likely pathogenic. Last evaluated: 2022-11-01. Review status: criteria provided, single submitter. Criteria: Invitae Variant Classification Sherloc (09022015). Collection method: clinical testing. Allele origin: germline.
Comment: In summary, the currently available evidence indicates that the variant is pathogenic, but additional data are needed to prove that conclusively. Therefore, this variant has been classified as Likely Pathogenic. This variant disrupts the triple helix domain of COL4A5. Glycine residues within the Gly-Xaa-Yaa repeats of the triple helix domain are required for the structure and stability of fibrillar collagens (PMID: 7695699, 8218237, 19344236). In COL4A5, missense variants at these glycine residues are significantly enriched in individuals with disease (PMID: 23720012, 27627812) compared to the general population (ExAC). This sequence change replaces glycine, which is neutral and non-polar, with aspartic acid, which is acidic and polar, at codon 138 of the COL4A5 protein (p.Gly138Asp). This variant is not present in population databases (gnomAD no frequency). This missense change has been observed in individual(s) with clinical features of Alport syndrome (PMID: 29270492). ClinVar contains an entry for this variant (Variation ID: 1067097). Advanced modeling of protein sequence and biophysical properties (such as structural, functional, and spatial information, amino acid conservation, physicochemical variation, residue mobility, and thermodynamic stability) performed at Invitae indicates that this missense variant is expected to disrupt COL4A5 protein function.

Literature cited by the submitters: PubMed 7695699; PubMed 8218237; PubMed 19344236; PubMed 23720012; PubMed 27627812; PubMed 29270492.

NM_033380.3(COL4A5):c.413G>A (p.Gly138Asp)

Gene: COL4A5 (collagen type IV alpha 5 chain; plus strand). Cytogenetic location: Xq22.3.
Variant type: single nucleotide variant.
Coding change: c.413G>A on transcript NM_033380.3 (MANE Select); coding-DNA position 413, G replaced by A.
Protein change: p.Gly138Asp; replaces glycine 138 with aspartic acid.
Molecular consequence: missense variant.
Genome position (GRCh38, 1-based): chrX:108,571,441, G>A. VCF-style: chrX-108571441-G-A. GRCh37 (hg19) VCF-style: chrX-107814671-G-A.
Other names: c.413G>A, p.Gly138Asp (NM_000495.5); short protein forms G138D.
Identifiers: ClinVar variation 1067097 (VCV001067097.9), dbSNP rs2147753910, ClinGen allele CA413920015.
Genomic context (GRCh38, chrX:108,571,441, plus strand): 5'-CCTCCATGCTCTTTATTTTTAACTCCTTCTAGGGAGAACGTGGATTTCCAGGCAGTCCCG[G>A]TTTTCCTGGTTTACAGGGTCCTCCAGTAAGTTATAAAATTTGGGATTATGATGAACACAG-3'
Protein context (NP_203699.1, residues 128-148): KGERGFPGSP[Gly138Asp]FPGLQGPPGP